The following is an entry in ClinVar:

ClinVar aggregate classification (germline): Uncertain significance (1 of 4 stars; one submission).

Conditions:
Amelocerebrohypohidrotic syndrome (KTZS). Also called: EPILEPSY AND YELLOW TEETH; EPILEPSY, DEMENTIA, AND AMELOGENESIS IMPERFECTA; KOHLSCHUTTER SYNDROME; Kohlschutter's syndrome. Identifiers: Orphanet 1946, MedGen C0406740, MONDO:0009185, OMIM 226750.

Submission:

Labcorp Genetics (formerly Invitae), Labcorp
Classification: Uncertain significance for Amelocerebrohypohidrotic syndrome. Last evaluated: 2019-10-20. Review status: criteria provided, single submitter. Criteria: Invitae Variant Classification Sherloc (09022015). Collection method: clinical testing. Allele origin: germline.
Comment: This variant is not present in population databases (ExAC no frequency). This sequence change replaces aspartic acid with alanine at codon 131 of the ROGDI protein (p.Asp131Ala). The aspartic acid residue is highly conserved and there is a moderate physicochemical difference between aspartic acid and alanine. This variant has not been reported in the literature in individuals with ROGDI-related conditions. Algorithms developed to predict the effect of missense changes on protein structure and function are either unavailable or do not agree on the potential impact of this missense change (SIFT: "Tolerated"; PolyPhen-2: "Possibly Damaging"; Align-GVGD: "Class C0"). In summary, the available evidence is currently insufficient to determine the role of this variant in disease. Therefore, it has been classified as a Variant of Uncertain Significance.

NM_024589.3(ROGDI):c.392A>C (p.Asp131Ala)

Gene: ROGDI (rogdi atypical leucine zipper; minus strand). Cytogenetic location: 16p13.3.
Variant type: single nucleotide variant.
Coding change: c.392A>C on transcript NM_024589.3 (MANE Select); coding-DNA position 392, A replaced by C.
Protein change: p.Asp131Ala; replaces aspartic acid 131 with alanine.
Molecular consequence: missense variant. On other transcripts: non-coding transcript variant (1).
Genome position (GRCh38, 1-based): chr16:4,799,726, T>G on the plus strand (A>C on the coding strand, the complement: ROGDI is on the minus strand). VCF-style: chr16-4799726-T-G. GRCh37 (hg19) VCF-style: chr16-4849727-T-G.
Other names: short protein forms D131A.
Identifiers: ClinVar variation 860290 (VCV000860290.9), dbSNP rs2082694603, ClinGen allele CA394653336.